The following is an entry in ClinVar:

NM_001105206.3(LAMA4):c.298-5C>G

Gene: LAMA4 (laminin subunit alpha 4; minus strand). Cytogenetic location: 6q21.
Variant type: single nucleotide variant.
Coding change: c.298-5C>G on transcript NM_001105206.3 (MANE Select); 5 bases into the intron before coding-DNA position 298, C replaced by G.
Molecular consequence: intron variant.
Genome position (GRCh38, 1-based): chr6:112,207,150, G>C on the plus strand (C>G on the coding strand, the complement: LAMA4 is on the minus strand). VCF-style: chr6-112207150-G-C. GRCh37 (hg19) VCF-style: chr6-112528351-G-C.
Other names: c.298-5C>G (NM_002290.5, NM_001105207.3, NM_002290.3).
Identifiers: ClinVar variation 1116759 (VCV001116759.10), dbSNP rs1784105261, ClinGen allele CA1655260462.
Genomic context (GRCh38, chr6:112,207,150, plus strand): 5'-ATATAACCATCCAGACACTTTTCACAGTGCTCTCCTGTTGTGTTCCGCTGGCAGTGCTAT[G>C]AGACAAAAGACAAGAAGATTGACAAGGATGCGAAAGAAATTTTAGAGACAGCACATCTAA-3'

ClinVar aggregate classification (germline): Conflicting classifications of pathogenicity. Review status: criteria provided, conflicting classifications (1 of 4 stars). 2 submissions from 2 submitters: Uncertain significance (1); Likely benign (1). Last evaluated 2025-02-27.

Conditions:
Cardiovascular phenotype. Identifiers: MedGen CN230736.
Dilated cardiomyopathy 1JJ (CMD1JJ). Identifiers: Orphanet 154, MedGen C3808935, MONDO:0014095, OMIM 615235.

gnomAD v4.1: 1 of 1,613,814 alleles (0.000062%); no homozygotes.

Submissions (2):

Labcorp Genetics (formerly Invitae), Labcorp
Classification: Likely benign for Dilated cardiomyopathy 1JJ. Last evaluated: 2025-02-27. Review status: criteria provided, single submitter. Criteria: Invitae Variant Classification Sherloc (09022015). Collection method: clinical testing. Allele origin: germline.

Ambry Genetics
Classification: Uncertain significance for Cardiovascular phenotype. Last evaluated: 2024-02-22. Review status: criteria provided, single submitter. Criteria: Ambry Variant Classification Scheme 2023. Collection method: clinical testing. Allele origin: germline.
Comment: The c.298-5C>G intronic variant results from a C to G substitution 5 nucleotides upstream from coding exon 3 in the LAMA4 gene. This nucleotide position is not well conserved in available vertebrate species. In silico splice site analysis predicts that this alteration will not have any significant effect on splicing. The evidence for this gene-disease relationship is limited; therefore, the clinical significance of this alteration is unclear.